The following is an entry in ClinVar:

ClinVar aggregate classification (germline): Pathogenic (1 of 4 stars; one submission).

Submission:

Labcorp Genetics (formerly Invitae), Labcorp
Classification: Pathogenic. Last evaluated: 2022-07-06. Review status: criteria provided, single submitter. Criteria: Invitae Variant Classification Sherloc (09022015). Collection method: clinical testing. Allele origin: germline.
Comment: For these reasons, this variant has been classified as Pathogenic. This variant has not been reported in the literature in individuals affected with USH2A-related conditions. This variant is not present in population databases (gnomAD no frequency). This sequence change creates a premature translational stop signal (p.Glu4547Argfs*3) in the USH2A gene. It is expected to result in an absent or disrupted protein product. Loss-of-function variants in USH2A are known to be pathogenic (PMID: 10729113, 10909849, 20507924, 25649381).

Literature cited by the submitters: PubMed 10729113; PubMed 10909849; PubMed 20507924; PubMed 25649381.

NM_206933.4(USH2A):c.13639del (p.Glu4547fs)

Gene: USH2A (usherin; minus strand). Cytogenetic location: 1q41.
Variant type: Deletion.
Coding change: c.13639del on transcript NM_206933.4 (MANE Select); coding-DNA position 13639, one base deleted (G; older notation c.13639delG).
Protein change: p.Glu4547fs; shifts the reading frame from glutamic acid 4547.
Molecular consequence: frameshift variant.
Genome position (GRCh38, 1-based): chr1:215,674,272, C deleted on the plus strand (G on the coding strand, the reverse complement: USH2A is on the minus strand); the first of 2 consecutive C bases (chr1:215,674,272-215,674,273); deleting either gives the same sequence. VCF-style (leftmost placement, unchanged base first): chr1-215674271-TC-T. GRCh37 (hg19) VCF-style: chr1-215847613-TC-T.
Other names: short protein forms E4547fs.
Identifiers: ClinVar variation 2014586 (VCV002014586.4), dbSNP rs2464894227, ClinGen allele CA2580062221.
Genomic context (GRCh38, chr1:215,674,271, plus strand): 5'-AGGGTATAATTGATGATATCACCATTTGTTCTCACTGGAGGGTCCCAGTTCACTAAGATC[TC>T]CTGAGGACCCCTGGCCTGCAATTTTGGAGGTTCCATCCCTGAGGGTGCTGAGGGGCTGGT-3'